The following is an entry in ClinVar:

ClinVar aggregate classification (germline): Uncertain significance (1 of 4 stars; one submission).

Conditions:
Developmental and epileptic encephalopathy, 13 (DEE13). Also called: Developmental and Epileptic Encephalopathy (SCN8A-DEE); Early infantile epileptic encephalopathy 13; SCN8A-Related Epilepsy. Identifiers: Orphanet 442835, MedGen C3281191, MONDO:0013801, OMIM 614558.

Submission:

Unidad de Genómica Garrahan, Hospital de Pediatría Garrahan
Classification: Uncertain significance for Developmental and epileptic encephalopathy, 13. Last evaluated: 2025-08-05. Review status: criteria provided, single submitter. Criteria: ACMG Guidelines, 2015. Collection method: clinical testing. Allele origin: germline. Affected: yes.
Comment: This variant is not present in gnomAD population databases (PM2_sup). Computational prediction tools support a deleterious effect on the gene (PP3_mod). Missense variant in a gene with missense variant constraint (PP2_sup).

NM_001330260.2(SCN8A):c.376A>T (p.Ile126Phe)

Gene: SCN8A (sodium voltage-gated channel alpha subunit 8; plus strand). Cytogenetic location: 12q13.13.
Variant type: single nucleotide variant.
Coding change: c.376A>T on transcript NM_001330260.2 (MANE Select); coding-DNA position 376, A replaced by T.
Protein change: p.Ile126Phe; replaces isoleucine 126 with phenylalanine.
Molecular consequence: missense variant.
Genome position (GRCh38, 1-based): chr12:51,684,273, A>T. VCF-style: chr12-51684273-A-T. GRCh37 (hg19) VCF-style: chr12-52078057-A-T.
Other names: c.376A>T, p.Ile126Phe (NM_001177984.3, NM_001369788.1, NM_014191.4); short protein forms I126F.
Identifiers: ClinVar variation 4073532 (VCV004073532.1).